The following is an entry in ClinVar:

NM_004371.4(COPA):c.2317A>C (p.Ser773Arg)

Gene: COPA (coat protein complex I subunit alpha; minus strand). Cytogenetic location: 1q23.2.
Variant type: single nucleotide variant.
Coding change: c.2317A>C on transcript NM_004371.4 (MANE Select); coding-DNA position 2317, A replaced by C.
Protein change: p.Ser773Arg; replaces serine 773 with arginine.
Molecular consequence: missense variant.
Genome position (GRCh38, 1-based): chr1:160,296,096, T>G on the plus strand (A>C on the coding strand, the complement: COPA is on the minus strand). VCF-style: chr1-160296096-T-G. GRCh37 (hg19) VCF-style: chr1-160265886-T-G.
Other names: c.2317A>C, p.Ser773Arg (LRG_1336t1); c.2344A>C, p.Ser782Arg (NM_001098398.2); short protein forms S782R, S773R.
Identifiers: ClinVar variation 661061 (VCV000661061.10), dbSNP rs750280942, ClinGen allele CA1197920.
Genomic context (GRCh38, chr1:160,296,096, plus strand): 5'-GACAATTATGTAAATAAAGACTCACTGTCTCCTTCTCTGGGTCAAATGTCTCCTTTAGGC[T>G]CTCAGCTTCTTCATCTAAGCCATGGGTAGCAGCTGTGAGATAGGCCAGGGACTCTGTAGA-3'
Protein context (NP_004362.2, residues 763-783): ATHGLDEEAE[Ser773Arg]LKETFDPEKE

ClinVar aggregate classification (germline): Uncertain significance (1 of 4 stars; one submission).

Conditions:
Autoimmune interstitial lung disease-arthritis syndrome. Also called: Autoinflammation and autoimmunity, systemic, with immune dysregulation. Identifiers: Orphanet 444092, MedGen C5975714, MONDO:0014629.

Allele frequency attached by ClinVar (database versions not stated): gnomAD exomes below 0.00001; TOPMed below 0.00001; ExAC 0.00001.
gnomAD v4.1: 2 of 1,614,188 alleles (0.00012%); highest among the groups gnomAD compares: Non-Finnish European, 0.00017%; no homozygotes.

Submission:

Labcorp Genetics (formerly Invitae), Labcorp
Classification: Uncertain significance for Autoimmune interstitial lung disease-arthritis syndrome. Last evaluated: 2025-12-13. Review status: criteria provided, single submitter. Criteria: Invitae Variant Classification Sherloc (09022015). Collection method: clinical testing. Allele origin: germline.
Comment: This sequence change replaces serine, which is neutral and polar, with arginine, which is basic and polar, at codon 773 of the COPA protein (p.Ser773Arg). This variant is present in population databases (rs750280942, gnomAD 0.0009%). This variant has not been reported in the literature in individuals affected with COPA-related conditions. ClinVar contains an entry for this variant (Variation ID: 661061). Invitae Evidence Modeling of protein sequence and biophysical properties (such as structural, functional, and spatial information, amino acid conservation, physicochemical variation, residue mobility, and thermodynamic stability) indicates that this missense variant is not expected to disrupt COPA protein function with a negative predictive value of 80%. In summary, the available evidence is currently insufficient to determine the role of this variant in disease. Therefore, it has been classified as a Variant of Uncertain Significance.